The following is an entry in ClinVar:

ClinVar aggregate classification (germline): Uncertain significance (1 of 4 stars; one submission).

Conditions:
Leigh syndrome (NULS). Also called: Leigh's necrotizing encephalopathy; Leigh's disease; Leigh's syndrome; LEIGH SYNDROME, NUCLEAR; Leigh Syndrome (mtDNA deletion); Leigh Disease. Identifiers: Orphanet 506, MedGen C2931891, MONDO:0009723, OMIM 256000.

Submission:

Wong Mito Lab, Molecular and Human Genetics, Baylor College of Medicine
Classification: Uncertain significance for Leigh syndrome. Last evaluated: 2019-10-17. Review status: criteria provided, single submitter. Criteria: Modified ACMG Guidelines (Unpublished). Collection method: clinical testing. Allele origin: germline.
Comment: The NC_012920.1:m.15059G>A (YP_003024038.1:p.Gly105Ter) variant in MTCYB gene is interpretated to be a Uncertain Significance variant based on the modified ACMG guidelines (unpublished). This variant meets the following evidence codes: PP7

NC_012920.1(MT-CYB):m.15059G>A

Gene: MT-CYB (mitochondrially encoded cytochrome b; plus strand).
Variant type: single nucleotide variant.
Genome position: chrM-15059-G-A.
Identifiers: ClinVar variation 693817 (VCV000693817.1), dbSNP rs1603225052, ClinGen allele CA913172835.
Genomic context (GRCh38, chrMT:15,059, plus strand): 5'-AATGGCGCCTCAATATTCTTTATCTGCCTCTTCCTACACATCGGGCGAGGCCTATATTAC[G>A]GATCATTTCTCTACTCAGAAACCTGAAACATCGGCATTATCCTCCTGCTTGCAACTATAG-3'